The following is an entry in ClinVar:

ClinVar aggregate classification (germline): Uncertain significance. Review status: criteria provided, multiple submitters, no conflicts (2 of 4 stars). 2 submissions from 2 submitters: Uncertain significance (2). Last evaluated 2023-11-20.

Allele frequency attached by ClinVar (database versions not stated): gnomAD 0.00001; gnomAD exomes 0.00001; ExAC 0.00002; TOPMed 0.00002.
gnomAD v4.1: 67 of 1,597,622 alleles (0.0042%); highest among the groups gnomAD compares: Non-Finnish European, 0.0055%; no homozygotes.

Submissions (2):

Women's Health and Genetics/Laboratory Corporation of America, LabCorp
Classification: Uncertain significance. Last evaluated: 2023-11-20. Review status: criteria provided, single submitter. Criteria: LabCorp Variant Classification Summary - May 2015. Collection method: clinical testing. Allele origin: germline.

GeneDx
Classification: Uncertain significance. Last evaluated: 2019-03-15. Review status: criteria provided, single submitter. Criteria: GeneDx Variant Classification Process June 2021. Collection method: clinical testing. Allele origin: germline. Affected: yes.
Comment: Not observed at a significant frequency in large population cohorts (Lek et al., 2016); Canonical splice site variant predicted to destroy the natural splice donor site; Has not been previously published as pathogenic or benign to our knowledge

NM_001164508.2(NEB):c.17634+5G>A

Gene: NEB (nebulin; minus strand). Cytogenetic location: 2q23.3.
Variant type: single nucleotide variant.
Coding change: c.17634+5G>A on transcript NM_001164508.2 (MANE Select); 5 bases into the intron after coding-DNA position 17634, G replaced by A.
Molecular consequence: intron variant.
Genome position (GRCh38, 1-based): chr2:151,568,613, C>T on the plus strand (G>A on the coding strand, the complement: NEB is on the minus strand). VCF-style: chr2-151568613-C-T. GRCh37 (hg19) VCF-style: chr2-152425127-C-T.
Other names: c.12531+5G>A (NM_004543.5); c.17634+5G>A (NM_001164507.2, NM_001271208.2).
Identifiers: ClinVar variation 1304778 (VCV001304778.3), dbSNP rs749700121, ClinGen allele CA1908162.
Genomic context (GRCh38, chr2:151,568,613, plus strand): 5'-AGATGGAAAAGCTTTGGAAGTGATATCTGCATCACTGTGAGATTTTAAAACAGCCATATA[C>T]TTACATCATCGAGGATCTCGCCACTTTGTTTCGCTGTCACATAATCAACTCTGTCATCCA-3'